The following is an entry in ClinVar:

NM_001145308.5(LRTOMT):c.685G>A (p.Glu229Lys)

Genes: ANAPC15 (anaphase promoting complex subunit 15; minus strand), LRTOMT (leucine rich transmembrane and O-methyltransferase domain containing; plus strand), TOMT (transmembrane O-methyltransferase; plus strand). Cytogenetic location: 11q13.4.
Variant type: single nucleotide variant.
Coding change: c.685G>A on transcript NM_001145308.5; coding-DNA position 685, G replaced by A.
Protein change: p.Glu229Lys; replaces glutamic acid 229 with lysine.
Molecular consequence: missense variant. On other transcripts: 3 prime UTR variant (3), non-coding transcript variant (1), intron variant (7).
Genome position (GRCh38, 1-based): chr11:72,108,734, G>A. VCF-style: chr11-72108734-G-A. GRCh37 (hg19) VCF-style: chr11-71819780-G-A.
Other names: c.586G>A, p.Glu196Lys (NM_001393500.2); c.685G>A, p.Glu229Lys (NM_001145309.4); c.565G>A, p.Glu189Lys (NM_001145310.4); c.*85C>T (NM_001393443.1, NM_001393444.1, NM_001393445.1); c.64-1129C>T (NM_001393459.1); c.319-1129C>T (NM_001393430.1, NM_001393429.1, NM_001393428.1 and 3 more transcripts); short protein forms E189K, E196K, E229K.
Identifiers: ClinVar variation 2442643 (VCV002442643.1), dbSNP rs2538937406, ClinGen allele CA381724785.

ClinVar aggregate classification (germline): Uncertain significance (1 of 4 stars; one submission).

Allele frequency attached by ClinVar (database versions not stated): gnomAD exomes below 0.00001.
gnomAD v4.1: 1 of 1,550,454 alleles (0.000064%); highest among the groups gnomAD compares: Non-Finnish European, 0.000087%; no homozygotes.

Submission:

GeneDx
Classification: Uncertain significance. Last evaluated: 2023-08-10. Review status: criteria provided, single submitter. Criteria: GeneDx Variant Classification Process June 2021. Collection method: clinical testing. Allele origin: germline. Affected: yes.
Comment: Not observed at significant frequency in large population cohorts (gnomAD); In silico analysis supports that this missense variant has a deleterious effect on protein structure/function; Has not been previously published as pathogenic or benign to our knowledge